The following is an entry in ClinVar:

NM_014905.5(GLS):c.-212GCA[29]

Genes: GLS (glutaminase; plus strand), LOC129935268 (ATAC-STARR-seq lymphoblastoid silent region 12186; plus strand). Cytogenetic location: 2q32.2.
Variant type: Microsatellite.
Coding change: c.-212GCA[29] on transcript NM_014905.5 (MANE Select); 29 copies in a row of the 3-base unit GCA starting at c.-212; the reference has 16 copies in a row; 13 copies, 39 bases duplicated.
Molecular consequence: 5 prime UTR variant.
Genome position (GRCh38, 1-based): chr2:190,880,882-190,880,920, 39 bases duplicated; duplicating any 39 consecutive bases within chr2:190,880,873-190,880,920 gives the same sequence; the position shown is the placement nearest the transcript's 3' end. GRCh37 (hg19), VCF-style position (the base before the change): chr2:191,745,598.
Other names: c.-212GCA[29] (NM_001256310.2).
Identifiers: ClinVar variation 3357124 (VCV003357124.1).

ClinVar aggregate classification (germline): Likely benign (0 of 4 stars; one submission).

Conditions:
GLS-related disorder. Also called: GLS-related condition.

Submission:

PreventionGenetics, part of Exact Sciences
Classification: Likely benign for GLS-related condition. Last evaluated: 2024-04-25. Review status: no assertion criteria provided. Collection method: clinical testing. Allele origin: germline.
Comment: This variant is classified as likely benign based on ACMG/AMP sequence variant interpretation guidelines (Richards et al. 2015 PMID: 25741868, with internal and published modifications).